The following is an entry in ClinVar:

NM_003239.5(TGFB3):c.230G>A (p.Arg77Gln)

Gene: TGFB3 (transforming growth factor beta 3; minus strand). Cytogenetic location: 14q24.3.
Variant type: single nucleotide variant.
Coding change: c.230G>A on transcript NM_003239.5 (MANE Select); coding-DNA position 230, G replaced by A.
Protein change: p.Arg77Gln; replaces arginine 77 with glutamine.
Molecular consequence: missense variant.
Genome position (GRCh38, 1-based): chr14:75,980,664, C>T on the plus strand (G>A on the coding strand, the complement: TGFB3 is on the minus strand). VCF-style: chr14-75980664-C-T. GRCh37 (hg19) VCF-style: chr14-76447007-C-T.
Other names: p.Arg77Gln; c.230G>A, p.Arg77Gln (NM_001329938.2, NM_001329939.2); short protein forms R77Q.
Identifiers: ClinVar variation 1394740 (VCV001394740.16), dbSNP rs1036545575, ClinGen allele CA263712161.

ClinVar aggregate classification (germline): Uncertain significance. Review status: criteria provided, multiple submitters, no conflicts (2 of 4 stars). 5 submissions from 5 submitters: Uncertain significance (5). Last evaluated 2025-08-20.

Conditions:
Arrhythmogenic right ventricular dysplasia 1. Identifiers: Orphanet 3403, MedGen C1862511, MONDO:0007152, OMIM 107970.
Rienhoff syndrome. Also called: LOEYS-DIETZ SYNDROME 5. Identifiers: MedGen C3810012, MONDO:0014262, OMIM 615582.
Familial thoracic aortic aneurysm and aortic dissection (TAAD). Also called: Thoracic aortic aneurysms and dissections. Identifiers: Orphanet 91387, MedGen C4707243, MONDO:0019625.

Allele frequency attached by ClinVar (database versions not stated): gnomAD 0.00001; TOPMed 0.00002.
gnomAD v4.1: 7 of 1,614,104 alleles (0.00043%); highest among the groups gnomAD compares: African/African-American, 0.004%; no homozygotes.

Submissions (5):

Labcorp Genetics (formerly Invitae), Labcorp
Classification: Uncertain significance for Rienhoff syndrome. Last evaluated: 2025-08-20. Review status: criteria provided, single submitter. Criteria: Invitae Variant Classification Sherloc (09022015). Collection method: clinical testing. Allele origin: germline.
Comment: This sequence change replaces arginine, which is basic and polar, with glutamine, which is neutral and polar, at codon 77 of the TGFB3 protein (p.Arg77Gln). This variant is present in population databases (no rsID available, gnomAD 0.02%). This variant has not been reported in the literature in individuals affected with TGFB3-related conditions. ClinVar contains an entry for this variant (Variation ID: 1394740). Invitae Evidence Modeling of protein sequence and biophysical properties (such as structural, functional, and spatial information, amino acid conservation, physicochemical variation, residue mobility, and thermodynamic stability) indicates that this missense variant is not expected to disrupt TGFB3 protein function with a negative predictive value of 80%. In summary, the available evidence is currently insufficient to determine the role of this variant in disease. Therefore, it has been classified as a Variant of Uncertain Significance.

Ambry Genetics
Classification: Uncertain significance for Familial thoracic aortic aneurysm and aortic dissection. Last evaluated: 2025-05-05. Review status: criteria provided, single submitter. Criteria: Ambry Variant Classification Scheme 2023. Collection method: clinical testing. Allele origin: germline.
Comment: The p.R77Q variant (also known as c.230G>A), located in coding exon 1 of the TGFB3 gene, results from a G to A substitution at nucleotide position 230. The arginine at codon 77 is replaced by glutamine, an amino acid with highly similar properties. This amino acid position is well conserved in available vertebrate species. In addition, this alteration is predicted to be tolerated by in silico analysis. Since supporting evidence is limited at this time, the clinical significance of this alteration remains unclear.

GeneDx
Classification: Uncertain significance. Last evaluated: 2024-01-16. Review status: criteria provided, single submitter. Criteria: GeneDx Variant Classification Process June 2021. Collection method: clinical testing. Allele origin: germline. Affected: yes.
Comment: In silico analysis supports that this missense variant does not alter protein structure/function; Has not been previously published as pathogenic or benign to our knowledge

Fulgent Genetics
Classification: Uncertain significance for Arrhythmogenic right ventricular dysplasia 1; Rienhoff syndrome. Last evaluated: 2021-07-28. Review status: criteria provided, single submitter. Criteria: ACMG Guidelines, 2015. Collection method: clinical testing. Allele origin: unknown.

Mayo Clinic Laboratories, Mayo Clinic
Classification: Uncertain significance. Last evaluated: 2021-07-27. Review status: criteria provided, single submitter. Criteria: ACMG Guidelines, 2015. Collection method: clinical testing. Allele origin: germline.